The following is an entry in ClinVar:

ClinVar aggregate classification (germline): Uncertain significance (1 of 4 stars; one submission).

Conditions:
Hereditary cancer-predisposing syndrome. Also called: Neoplastic Syndromes, Hereditary; Tumor predisposition; Hereditary neoplastic syndrome; Hereditary Cancer Syndrome. Identifiers: Orphanet 140162, MedGen C0027672, MeSH D009386, MONDO:0015356.

Submission:

Ambry Genetics
Classification: Uncertain significance for Hereditary cancer-predisposing syndrome. Last evaluated: 2026-06-27. Review status: criteria provided, single submitter. Criteria: Ambry Variant Classification Scheme 2023. Collection method: clinical testing. Allele origin: germline.
Comment: The p.K909N variant (also known as c.2727A>T), located in coding exon 17 of the RAD50 gene, results from an A to T substitution at nucleotide position 2727. The lysine at codon 909 is replaced by asparagine, an amino acid with similar properties. This amino acid position is conserved. In addition, this alteration is predicted to be tolerated by in silico analysis. Based on the available evidence, the clinical significance of this variant remains unclear.

NM_005732.4(RAD50):c.2727A>T (p.Lys909Asn)

Gene: RAD50 (RAD50 double strand break repair protein; plus strand). Cytogenetic location: 5q31.1.
Variant type: single nucleotide variant.
Coding change: c.2727A>T on transcript NM_005732.4 (MANE Select); coding-DNA position 2727, A replaced by T.
Protein change: p.Lys909Asn; replaces lysine 909 with asparagine.
Molecular consequence: missense variant.
Genome position (GRCh38, 1-based): chr5:132,608,623, A>T. VCF-style: chr5-132608623-A-T. GRCh37 (hg19) VCF-style: chr5-131944315-A-T.
Other names: short protein forms K909N.
Identifiers: ClinVar variation 5027709 (VCV005027709.1).